The following is an entry in ClinVar:

NM_207396.3(RNF207):c.1718A>G (p.Asn573Ser)

Gene: RNF207 (ring finger protein 207; plus strand). Cytogenetic location: 1p36.31.
Variant type: single nucleotide variant.
Coding change: c.1718A>G on transcript NM_207396.3 (MANE Select); coding-DNA position 1718, A replaced by G.
Protein change: p.Asn573Ser; replaces asparagine 573 with serine.
Molecular consequence: missense variant.
Genome position (GRCh38, 1-based): chr1:6,218,354, A>G. VCF-style: chr1-6218354-A-G. GRCh37 (hg19) VCF-style: chr1-6278414-A-G.
Other names: short protein forms N573S.
Identifiers: ClinVar variation 1274153 (VCV001274153.2), dbSNP rs709209, ClinGen allele CA558287.

ClinVar aggregate classification (germline): Benign. Review status: criteria provided, multiple submitters, no conflicts (2 of 4 stars). 2 submissions from 2 submitters: Benign (2). Last evaluated 2018-07-13.

Allele frequency attached by ClinVar (database versions not stated): gnomAD exomes 0.34885 and 0.34897; ExAC 0.36170; 1000 Genomes Project 0.43710; gnomAD 0.43740 and 0.44426; 1000 Genomes Project 30x 0.44519; TOPMed 0.44818; ESP Exome Variant Server 0.45117.
gnomAD v4.1: 576,004 of 1,611,076 alleles (36%); highest among the groups gnomAD compares: African/African-American, 72%; 109,978 homozygotes.

Submissions (2):

GeneDx
Classification: Benign. Last evaluated: 2018-07-13. Review status: criteria provided, single submitter. Criteria: GeneDx Variant Classification Process June 2021. Collection method: clinical testing. Allele origin: germline. Affected: yes.
Comment: This variant is associated with the following publications: (PMID: 28379579, 29874175)

Breakthrough Genomics
Classification: Benign. Review status: criteria provided, single submitter. Criteria: ACMG Guidelines, 2015. Collection method: not provided. Allele origin: germline. Inheritance: Unknown mechanism. Affected: yes.